The following is an entry in ClinVar:

NM_198525.3(KIF7):c.3246G>T (p.Met1082Ile)

Gene: KIF7 (kinesin family member 7; minus strand). Cytogenetic location: 15q26.1.
Variant type: single nucleotide variant.
Coding change: c.3246G>T on transcript NM_198525.3 (MANE Select); coding-DNA position 3246, G replaced by T.
Protein change: p.Met1082Ile; replaces methionine 1082 with isoleucine.
Molecular consequence: missense variant.
Genome position (GRCh38, 1-based): chr15:89,630,359, C>A on the plus strand (G>T on the coding strand, the complement: KIF7 is on the minus strand). VCF-style: chr15-89630359-C-A. GRCh37 (hg19) VCF-style: chr15-90173590-C-A.
Other names: short protein forms M1082I.
Identifiers: ClinVar variation 1498004 (VCV001498004.8), dbSNP rs1423214607, ClinGen allele CA393755945.

ClinVar aggregate classification (germline): Uncertain significance (1 of 4 stars; one submission).

Conditions:
Acrocallosal syndrome (ACLS). Also called: HALLUX DUPLICATION, POSTAXIAL POLYDACTYLY, AND ABSENCE OF CORPUS CALLOSUM; Schinzel syndrome 1; Absence of corpus callosum with unusual facial appearance, mental deficiency, duplication of the halluces and polydactyly. Identifiers: Orphanet 36, MedGen C0796147, MONDO:0008708, OMIM 200990.

Allele frequency attached by ClinVar (database versions not stated): gnomAD exomes below 0.00001.

Submission:

Labcorp Genetics (formerly Invitae), Labcorp
Classification: Uncertain significance for Acrocallosal syndrome. Last evaluated: 2021-06-12. Review status: criteria provided, single submitter. Criteria: Invitae Variant Classification Sherloc (09022015). Collection method: clinical testing. Allele origin: germline.
Comment: In summary, the available evidence is currently insufficient to determine the role of this variant in disease. Therefore, it has been classified as a Variant of Uncertain Significance. Algorithms developed to predict the effect of missense changes on protein structure and function are either unavailable or do not agree on the potential impact of this missense change (SIFT: "Deleterious"; PolyPhen-2: "Probably Damaging"; Align-GVGD: "Class C0"). This variant has not been reported in the literature in individuals with KIF7-related conditions. This variant is not present in population databases (ExAC no frequency). This sequence change replaces methionine with isoleucine at codon 1082 of the KIF7 protein (p.Met1082Ile). The methionine residue is highly conserved and there is a small physicochemical difference between methionine and isoleucine.